The following is an entry in ClinVar:

ClinVar aggregate classification (germline): Likely benign. Review status: criteria provided, multiple submitters, no conflicts (2 of 4 stars). 5 submissions from 5 submitters: Likely benign (5). Last evaluated 2026-01-27.

Conditions:
Cardiovascular phenotype. Identifiers: MedGen CN230736.
Brugada syndrome 8 (BRGDA8). Identifiers: Orphanet 130, MedGen C2751083, MONDO:0013148, OMIM 613123.

Allele frequency attached by ClinVar (database versions not stated): gnomAD 0.00004 and 0.00005; TOPMed 0.00009; ExAC 0.00014.
gnomAD v4.1: 43 of 1,586,198 alleles (0.0027%); highest among the groups gnomAD compares: Admixed American, 0.027%; no homozygotes.

Submissions (5):

Labcorp Genetics (formerly Invitae), Labcorp
Classification: Likely benign for Brugada syndrome 8. Last evaluated: 2026-01-27. Review status: criteria provided, single submitter. Criteria: Invitae Variant Classification Sherloc (09022015). Collection method: clinical testing. Allele origin: germline.

Molecular Diagnostic Laboratory for Inherited Cardiovascular Disease, Montreal Heart Institute
Classification: Likely benign. Last evaluated: 2025-04-09. Review status: criteria provided, single submitter. Criteria: ACMG Guidelines, 2015. Collection method: clinical testing. Allele origin: germline. Affected: no.
Comment: BP7

Blueprint Genetics
Classification: Likely benign. Last evaluated: 2024-03-07. Review status: criteria provided, single submitter. Criteria: ACMG Guidelines, 2015. Collection method: clinical testing. Allele origin: germline.

Ambry Genetics
Classification: Likely benign for Cardiovascular phenotype. Last evaluated: 2022-07-08. Review status: criteria provided, single submitter. Criteria: Ambry Variant Classification Scheme 2023. Collection method: clinical testing. Allele origin: germline.

CeGaT Center for Human Genetics Tuebingen
Classification: Likely benign. Last evaluated: 2019-05-01. Review status: criteria provided, single submitter. Criteria: CeGaT Center For Human Genetics Tuebingen Variant Classification Criteria Version 2. Collection method: clinical testing. Allele origin: germline. Affected: yes. Observed: 1 variant allele.

NM_005477.3(HCN4):c.2715C>T (p.Ala905=)

Gene: HCN4 (hyperpolarization activated cyclic nucleotide gated potassium channel 4; minus strand). Cytogenetic location: 15q24.1.
Variant type: single nucleotide variant.
Coding change: c.2715C>T on transcript NM_005477.3 (MANE Select); coding-DNA position 2715, C replaced by T.
Protein change: p.Ala905=; no amino-acid change (alanine 905 retained).
Molecular consequence: synonymous variant.
Genome position (GRCh38, 1-based): chr15:73,323,378, G>A on the plus strand (C>T on the coding strand, the complement: HCN4 is on the minus strand). VCF-style: chr15-73323378-G-A. GRCh37 (hg19) VCF-style: chr15-73615719-G-A.
Identifiers: ClinVar variation 538094 (VCV000538094.56), dbSNP rs745886315, ClinGen allele CA7648966.